The following is an entry in ClinVar:

NM_022458.4(LMBR1):c.423+5311T>C

Genes: LMBR1 (limb development membrane protein 1; minus strand), ZRS (ZPA regulatory sequence; plus strand). Cytogenetic location: 7q36.3.
Variant type: single nucleotide variant.
Coding change: c.423+5311T>C on transcript NM_022458.4 (MANE Select); 5311 bases into the intron after coding-DNA position 423, T replaced by C.
Molecular consequence: intron variant.
Genome position (GRCh38, 1-based): chr7:156,791,078, A>G on the plus strand (T>C on the coding strand, the complement: LMBR1 is on the minus strand). VCF-style: chr7-156791078-A-G. GRCh37 (hg19) VCF-style: chr7-156583772-A-G.
Other names: c.360+5311T>C (NM_001363412.2); c.144+5311T>C (NM_001350954.2); c.423+5311T>C (NM_001363410.2, NM_001363409.2, NM_001350953.2 and 1 more transcripts); c.-112+5311T>C (NM_001350958.2, NM_001350956.2, NM_001350955.2 and 1 more transcripts); c.54+5311T>C (NM_001350957.2, NM_001363411.2).
Identifiers: ClinVar variation 788546 (VCV000788546.8), dbSNP rs182395968, ClinGen allele CA169823440.
Genomic context (GRCh38, chr7:156,791,078, plus strand): 5'-CTCAATTGGGGGATTGTAGAGGATTTCTATTAATAAATTGCTCTATGATTTTTTTTCTTG[A>G]AGGTGTTGGGAAAATCAAATTAACACGTAACAATAGTTAGTGAGATATGGCTTCATTTTC-3'

ClinVar aggregate classification (germline): Benign/Likely benign. Review status: criteria provided, multiple submitters, no conflicts (2 of 4 stars). 2 submissions from 2 submitters: Benign (1); Likely benign (1). Last evaluated 2026-05-07.

Conditions:
LMBR1-related disorder. Also called: LMBR1-related condition.

Allele frequency attached by ClinVar (database versions not stated): gnomAD 0.00164 and 0.00171; 1000 Genomes Project 0.00180; TOPMed 0.00193; 1000 Genomes Project 30x 0.00250.

Submissions (2):

PreventionGenetics, part of Exact Sciences
Classification: Likely benign for LMBR1-related condition. Last evaluated: 2026-05-07. Review status: criteria provided, single submitter. Criteria: ACMG Guidelines, 2015. Collection method: clinical testing. Allele origin: germline.
Comment: This variant is classified as likely benign based on ACMG/AMP sequence variant interpretation guidelines (Richards et al. 2015 PMID: 25741868, with internal and published modifications).

Labcorp Genetics (formerly Invitae), Labcorp
Classification: Benign. Last evaluated: 2025-12-25. Review status: criteria provided, single submitter. Criteria: Invitae Variant Classification Sherloc (09022015). Collection method: clinical testing. Allele origin: germline.